The following is an entry in ClinVar:

NM_000268.4(NF2):c.26T>C (p.Met9Thr)

Gene: NF2 (NF2, moesin-ezrin-radixin like (MERLIN) tumor suppressor; plus strand). Cytogenetic location: 22q12.2.
Variant type: single nucleotide variant.
Coding change: c.26T>C on transcript NM_000268.4 (MANE Select); coding-DNA position 26, T replaced by C.
Protein change: p.Met9Thr; replaces methionine 9 with threonine.
Molecular consequence: missense variant. On other transcripts: 5 prime UTR variant (4), non-coding transcript variant (1).
Genome position (GRCh38, 1-based): chr22:29,604,024, T>C. VCF-style: chr22-29604024-T-C. GRCh37 (hg19) VCF-style: chr22-30000013-T-C.
Other names: c.-205T>C (NM_001407053.1, NM_001407056.1); c.26T>C, p.Met9Thr (NM_001407054.1, NM_001407055.1, NM_001407057.1 and 15 more transcripts); c.-615T>C (NM_001407065.1); c.-231T>C (NM_001407067.1); short protein forms M9T.
Identifiers: ClinVar variation 2915551 (VCV002915551.5), dbSNP rs1729649719, ClinGen allele CA411145821.

ClinVar aggregate classification (germline): Uncertain significance. Review status: criteria provided, multiple submitters, no conflicts (2 of 4 stars). 3 submissions from 3 submitters: Uncertain significance (3). Last evaluated 2026-07-02.

Conditions:
Neurofibromatosis, type 2 (SWNV). Also called: NF2-Related Schwannomatosis; BILATERAL ACOUSTIC NEUROFIBROMATOSIS; SCHWANNOMATOSIS, VESTIBULAR. Identifiers: Orphanet 637, MedGen C0027832, MONDO:0007039, OMIM 101000. Disease mechanism: loss of function.
Hereditary cancer-predisposing syndrome. Also called: Hereditary Cancer Syndrome; Hereditary neoplastic syndrome; Neoplastic Syndromes, Hereditary; Tumor predisposition. Identifiers: Orphanet 140162, MedGen C0027672, MeSH D009386, MONDO:0015356.

Allele frequency attached by ClinVar (database versions not stated): gnomAD 0.00001.
gnomAD v4.1: 1 of 1,597,230 alleles (0.000063%); highest among the groups gnomAD compares: African/African-American, 0.0013%; no homozygotes.

Submissions (3):

Ambry Genetics
Classification: Uncertain significance for Hereditary cancer-predisposing syndrome. Last evaluated: 2026-07-02. Review status: criteria provided, single submitter. Criteria: Ambry Variant Classification Scheme 2023. Collection method: clinical testing. Allele origin: germline.
Comment: The p.M9T variant (also known as c.26T>C), located in coding exon 1 of the NF2 gene, results from a T to C substitution at nucleotide position 26. The methionine at codon 9 is replaced by threonine, an amino acid with similar properties. This amino acid position is conserved. In addition, this alteration is predicted to be deleterious by in silico analysis. Based on the available evidence, the clinical significance of this variant remains unclear.

Color Diagnostics, LLC DBA Color Health
Classification: Uncertain significance for Neurofibromatosis, type 2. Last evaluated: 2025-08-20. Review status: criteria provided, single submitter. Criteria: ACMG Guidelines, 2015. Collection method: clinical testing. Allele origin: germline.
Comment: This missense variant replaces methionine with threonine at codon 9 of the NF2 protein. Computational prediction suggests that this variant may have deleterious impact on protein structure and function. To our knowledge, functional studies have not been reported for this variant. This variant has not been reported in individuals affected with NF2-related disorders in the literature. This variant has not been identified in the general population by the Genome Aggregation Database (gnomAD). The available evidence is insufficient to determine the role of this variant in disease conclusively. Therefore, this variant is classified as a Variant of Uncertain Significance.

Labcorp Genetics (formerly Invitae), Labcorp
Classification: Uncertain significance for Neurofibromatosis, type 2. Last evaluated: 2023-06-02. Review status: criteria provided, single submitter. Criteria: Invitae Variant Classification Sherloc (09022015). Collection method: clinical testing. Allele origin: germline.
Comment: In summary, the available evidence is currently insufficient to determine the role of this variant in disease. Therefore, it has been classified as a Variant of Uncertain Significance. An algorithm developed to predict the effect of missense changes on protein structure and function (PolyPhen-2) suggests that this variant is likely to be disruptive. This variant has not been reported in the literature in individuals affected with NF2-related conditions. This variant is not present in population databases (gnomAD no frequency). This sequence change replaces methionine, which is neutral and non-polar, with threonine, which is neutral and polar, at codon 9 of the NF2 protein (p.Met9Thr).